The following is an entry in ClinVar:

ClinVar aggregate classification (germline): Uncertain significance (1 of 4 stars; one submission).

Conditions:
Epidermolysis bullosa simplex 5B, with muscular dystrophy (EBS5B). Also called: EPIDERMOLYSIS BULLOSA SIMPLEX AND LIMB-GIRDLE MUSCULAR DYSTROPHY; Epidermolysis bullosa simplex with muscular dystrophy. Identifiers: Orphanet 257, MedGen C2931072, MONDO:0009181, OMIM 226670.
Epidermolysis bullosa simplex, Ogna type (EBS5A). Also called: Pidermolysis bullosa simplex 5A, Ogna type; EPIDERMOLYSIS BULLOSA SIMPLEX 5A, OGNA TYPE. Identifiers: Orphanet 79401, MedGen C0432317, MONDO:0007555, OMIM 131950.
Epidermolysis bullosa simplex with nail dystrophy (EBS5D). Identifiers: MedGen C4225309, MONDO:0014661, OMIM 616487.
Autosomal recessive limb-girdle muscular dystrophy type 2Q (LGMDR17). Also called: MUSCULAR DYSTROPHY, LIMB-GIRDLE, AUTOSOMAL RECESSIVE 17. Identifiers: Orphanet 254361, MedGen C3150989, MONDO:0013390, OMIM 613723.
Epidermolysis bullosa simplex 5C, with pyloric atresia (EBS5C). Also called: PLEC1-Related Epidermolysis Bullosa with Pyloric Atresia; PLEC-Related Epidermolysis Bullosa with Pyloric Atresia; Epidermolysis bullosa simplex with pyloric atresia. Identifiers: Orphanet 158684, MedGen C2677349, MONDO:0012807, OMIM 612138.

Submission:

Labcorp Genetics (formerly Invitae), Labcorp
Classification: Uncertain significance for Autosomal recessive limb-girdle muscular dystrophy type 2Q; Epidermolysis bullosa simplex, Ogna type; Epidermolysis bullosa simplex with nail dystrophy; Epidermolysis bullosa simplex 5C, with pyloric atresia; Epidermolysis bullosa simplex 5B, with muscular dystrophy. Last evaluated: 2024-03-13. Review status: criteria provided, single submitter. Criteria: Invitae Variant Classification Sherloc (09022015). Collection method: clinical testing. Allele origin: germline.
Comment: This sequence change replaces alanine, which is neutral and non-polar, with threonine, which is neutral and polar, at codon 1689 of the PLEC protein (p.Ala1689Thr). This variant is not present in population databases (gnomAD no frequency). This variant has not been reported in the literature in individuals affected with PLEC-related conditions. ClinVar contains an entry for this variant (Variation ID: 1469481). Experimental studies and prediction algorithms are not available or were not evaluated, and the functional significance of this variant is currently unknown. In summary, the available evidence is currently insufficient to determine the role of this variant in disease. Therefore, it has been classified as a Variant of Uncertain Significance.

NM_201384.3(PLEC):c.4984G>A (p.Ala1662Thr)

Gene: PLEC (plectin; minus strand). Cytogenetic location: 8q24.3.
Variant type: single nucleotide variant.
Coding change: c.4984G>A on transcript NM_201384.3 (MANE Select); coding-DNA position 4984, G replaced by A.
Protein change: p.Ala1662Thr; replaces alanine 1662 with threonine.
Molecular consequence: missense variant.
Genome position (GRCh38, 1-based): chr8:143,924,945, C>T on the plus strand (G>A on the coding strand, the complement: PLEC is on the minus strand). VCF-style: chr8-143924945-C-T. GRCh37 (hg19) VCF-style: chr8-144999113-C-T.
Other names: c.5065G>A, p.Ala1689Thr (NM_000445.5); c.4942G>A, p.Ala1648Thr (NM_201378.4); c.4918G>A, p.Ala1640Thr (NM_201379.3); c.5395G>A, p.Ala1799Thr (NM_201380.4); c.4888G>A, p.Ala1630Thr (NM_201381.3); c.4984G>A, p.Ala1662Thr (NM_201382.4); c.4996G>A, p.Ala1666Thr (NM_201383.3); short protein forms A1640T, A1662T, A1689T, A1630T, A1648T, A1666T, A1799T.
Identifiers: ClinVar variation 1469481 (VCV001469481.8), dbSNP rs1554699901, ClinGen allele CA372550879.